The following is an entry in ClinVar:

NM_152443.3(RDH12):c.704_710del (p.Ser235fs)

Genes: GPHN (gephyrin; plus strand), RDH12 (retinol dehydrogenase 12; plus strand), ZFYVE26 (zinc finger FYVE-type containing 26; minus strand). Cytogenetic location: 14q24.1.
Variant type: Deletion.
Coding change: c.704_710del on transcript NM_152443.3 (MANE Select); coding-DNA positions 704 to 710, 7 bases deleted (CTGAGCT; older notation c.704_710delCTGAGCT).
Protein change: p.Ser235fs; shifts the reading frame from serine 235.
Molecular consequence: frameshift variant.
Genome position (GRCh38, 1-based): chr14:67,729,236-67,729,242, CTGAGCT deleted; deleting any 7 consecutive bases within chr14:67,729,233-67,729,242 gives the same sequence; the c. name uses the placement nearest the transcript's 3' end. VCF-style (leftmost placement, unchanged base first): chr14-67729232-CGCTCTGA-C. GRCh37 (hg19) VCF-style: chr14-68195949-CGCTCTGA-C.
Other names: short protein forms S235fs.
Identifiers: ClinVar variation 3382186 (VCV003382186.2).
Genomic context (GRCh38, chr14:67,729,232, plus strand): 5'-TGTGCCCTCTTTGTCCCAGGCACCGGGGTCACCACCTACGCAGTGCACCCAGGCGTCGTC[CGCTCTGA>C]GCTGGTCCGGCACTCCTCCCTGCTCTGCCTGCTCTGGCGGCTCTTCTCCCCCTTTGTCAA-3'

ClinVar aggregate classification (germline): Likely pathogenic (1 of 4 stars; one submission).

Conditions:
Leber congenital amaurosis 13 (LCA13). Identifiers: MedGen C2675186, MONDO:0012990, OMIM 612712.

Submission:

Juno Genomics, Hangzhou Juno Genomics, Inc
Classification: Likely pathogenic for Leber congenital amaurosis 13. Review status: criteria provided, single submitter. Criteria: ACMG Guidelines, 2015. Collection method: clinical testing. Allele origin: germline. Affected: yes.
Comment: Absent from controls (or at extremely low frequency if recessive) in Genome Aggregation Database, Exome Sequencing Project, 1000 Genomes Project, or Exome Aggregation Consortium.;Null variant in a gene where loss of function (LOF) is a known mechanism of disease.